The following is an entry in ClinVar:

NM_001008537.3(NEXMIF):c.1813C>G (p.Pro605Ala)

Gene: NEXMIF (neurite extension and migration factor; minus strand). Cytogenetic location: Xq13.3.
Variant type: single nucleotide variant.
Coding change: c.1813C>G on transcript NM_001008537.3 (MANE Select); coding-DNA position 1813, C replaced by G.
Protein change: p.Pro605Ala; replaces proline 605 with alanine.
Molecular consequence: missense variant.
Genome position (GRCh38, 1-based): chrX:74,742,744, G>C on the plus strand (C>G on the coding strand, the complement: NEXMIF is on the minus strand). VCF-style: chrX-74742744-G-C. GRCh37 (hg19) VCF-style: chrX-73962579-G-C.
Other names: short protein forms P605A.
Identifiers: ClinVar variation 1350395 (VCV001350395.10), dbSNP rs747472111, ClinGen allele CA10455095.

ClinVar aggregate classification (germline): Uncertain significance. Review status: criteria provided, multiple submitters, no conflicts (2 of 4 stars). 3 submissions from 3 submitters: Uncertain significance (3). Last evaluated 2025-12-09.

Conditions:
X-linked intellectual disability, Cantagrel type (XLID98). Also called: INTELLECTUAL DEVELOPMENTAL DISORDER, X-LINKED 98. Identifiers: Orphanet 85277, MedGen C3806730, MONDO:0010483, OMIM 300912.

Allele frequency attached by ClinVar (database versions not stated): ExAC 0.00001; gnomAD 0.00001; gnomAD exomes 0.00002.
gnomAD v4.1: 12 of 1,209,053 alleles (0.00099%); highest among the groups gnomAD compares: Non-Finnish European, 0.0012%; no homozygotes.

Submissions (3):

Ambry Genetics
Classification: Uncertain significance. Last evaluated: 2025-12-09. Review status: criteria provided, single submitter. Criteria: Ambry Variant Classification Scheme 2023. Collection method: clinical testing. Allele origin: germline.
Comment: The c.1813C>G (p.P605A) alteration is located in exon 3 (coding exon 2) of the KIAA2022 gene. This alteration results from a C to G substitution at nucleotide position 1813, causing the proline (P) at amino acid position 605 to be replaced by an alanine (A). Based on data from gnomAD, the G allele has an overall frequency of 0.002% (3/180225) total alleles studied. The highest observed frequency was 0.004% (3/79767) of European (non-Finnish) alleles. Based on insufficient or conflicting evidence, the clinical significance of this alteration remains unclear.

Fulgent Genetics
Classification: Uncertain significance for X-linked intellectual disability, Cantagrel type. Last evaluated: 2021-07-26. Review status: criteria provided, single submitter. Criteria: ACMG Guidelines, 2015. Collection method: clinical testing. Allele origin: unknown.

Labcorp Genetics (formerly Invitae), Labcorp
Classification: Uncertain significance. Last evaluated: 2021-07-14. Review status: criteria provided, single submitter. Criteria: Invitae Variant Classification Sherloc (09022015). Collection method: clinical testing. Allele origin: germline.
Comment: This variant has not been reported in the literature in individuals affected with NEXMIF-related conditions. The frequency data for this variant in the population databases is considered unreliable, as metrics indicate poor data quality at this position in the ExAC database. This sequence change replaces proline with alanine at codon 605 of the NEXMIF protein (p.Pro605Ala). The proline residue is moderately conserved and there is a small physicochemical difference between proline and alanine. Algorithms developed to predict the effect of missense changes on protein structure and function (SIFT, PolyPhen-2, Align-GVGD) all suggest that this variant is likely to be tolerated. In summary, the available evidence is currently insufficient to determine the role of this variant in disease. Therefore, it has been classified as a Variant of Uncertain Significance.